The following is an entry in ClinVar:

NM_001358530.2(MOCS1):c.1852GAG[1] (p.Glu619del)

Gene: MOCS1 (molybdenum cofactor synthesis 1; minus strand). Cytogenetic location: 6p21.2.
Variant type: Microsatellite.
Coding change: c.1852GAG[1] on transcript NM_001358530.2 (MANE Select); one copy of the 3-base unit GAG starting at c.1852; the reference has two copies in a row; one copy, 3 bases deleted.
Protein change: p.Glu619del; deletes glutamic acid 619.
Molecular consequence: inframe deletion. On other transcripts: 3 prime UTR variant (4), non-coding transcript variant (1).
Genome position (GRCh38, 1-based): chr6:39,906,411-39,906,413, CTC deleted on the plus strand (GAG on the coding strand, the reverse complement: MOCS1 is on the minus strand); deleting any 3 consecutive bases within chr6:39,906,411-39,906,417 gives the same sequence; the position shown is the placement nearest the transcript's 3' end. VCF-style (leftmost placement, unchanged base first): chr6-39906410-TCTC-T. GRCh37 (hg19) VCF-style: chr6-39874186-TCTC-T.
Other names: c.*709GAG[1] (NM_001075098.4, NM_001358533.2, NM_001358534.2 and 1 more transcripts); c.1804GAG[1], p.Glu603del (NM_001358529.2); c.1591GAG[1], p.Glu532del (NM_001358531.2); short protein forms E532del, E603del, E619del.
Identifiers: ClinVar variation 1972482 (VCV001972482.2), dbSNP rs760828381, ClinGen allele CA3795874.
Genomic context (GRCh38, chr6:39,906,410, plus strand): 5'-GCAGGTGCTAAGCCCGATGGAAGTCCCCCCGCTGACCACCAGTCTTGCTAATGAGCTTGA[TCTC>T]CTCCAACACGATGTCCCTGCTGACAGCCTTGCACATGTCATACAGGGTGAGGGCGGCCAC-3'

ClinVar aggregate classification (germline): Uncertain significance (1 of 4 stars; one submission).

Conditions:
Sulfite oxidase deficiency due to molybdenum cofactor deficiency type A. Also called: Molybdenum cofactor deficiency, complementation group A; Molybdenum Cofactor Deficiency A. Identifiers: Orphanet 308386, Orphanet 833, MedGen C1854988, MONDO:0009643, OMIM 252150.

Submission:

Labcorp Genetics (formerly Invitae), Labcorp
Classification: Uncertain significance for Sulfite oxidase deficiency due to molybdenum cofactor deficiency type A. Last evaluated: 2022-02-14. Review status: criteria provided, single submitter. Criteria: Invitae Variant Classification Sherloc (09022015). Collection method: clinical testing. Allele origin: germline.
Comment: This variant, c.1855_1857del, results in the deletion of 1 amino acid(s) of the MOCS1 protein (p.Glu619del), but otherwise preserves the integrity of the reading frame. This variant is present in population databases (rs760828381, gnomAD 0.02%). This variant has not been reported in the literature in individuals affected with MOCS1-related conditions. Experimental studies and prediction algorithms are not available or were not evaluated, and the functional significance of this variant is currently unknown. In summary, the available evidence is currently insufficient to determine the role of this variant in disease. Therefore, it has been classified as a Variant of Uncertain Significance.